The following is an entry in ClinVar:

ClinVar aggregate classification (germline): Pathogenic. Review status: criteria provided, multiple submitters, no conflicts (2 of 4 stars). 9 submissions from 8 submitters: Pathogenic (7). 2 of the submissions do not count toward it. Last evaluated 2025-02-24.

Conditions:
Citrullinemia. Identifiers: Orphanet 187, MedGen C0175683, MONDO:0015991.
Neonatal intrahepatic cholestasis due to citrin deficiency (CDNI). Also called: Neonatal Intrahepatic Cholestasis Caused by Citrin Deficiency (NICCD); Neonatal-onset citrullinemia type II; Neonatal-onset citrullinemia type 2; CITRIN DEFICIENCY, NEONATAL OR INFANTILE ONSET. Identifiers: Orphanet 247598, MedGen C1853942, MONDO:0011601, OMIM 605814.
Citrullinemia, type II, adult-onset (CDAA). Also called: CITRIN DEFICIENCY, ADOLESCENT OR ADULT ONSET. Identifiers: Orphanet 247585, MedGen CN295299, MONDO:0011326, OMIM 603471.
Citrin deficiency. Identifiers: Orphanet 247582, MedGen C1997910, MONDO:0016602.
Citrullinemia type II. Also called: Citrullinemia Type II (CTLN2). Identifiers: Orphanet 247585, MedGen C1863844, MONDO:0016603.

Allele frequency attached by ClinVar (database versions not stated): TOPMed 0.00002.
gnomAD v4.1: 15 of 1,613,976 alleles (0.00093%); highest among the groups gnomAD compares: East Asian, 0.031%; no homozygotes.

Submissions (9):

Natera, Inc.
Classification: Pathogenic for Citrullinemia. Last evaluated: 2025-02-24. Review status: criteria provided, single submitter. Criteria: Natera Variant Classification Schema (03/2026). Collection method: clinical testing. Allele origin: germline.
Comment: The c.674C>A variant in SLC25A13 is a nonsense variant predicted to introduce a stop codon at amino acid 225. This variant is expected to result in nonsense mediated decay, truncation, or a dysfunctional protein product. This variant is rare in the general population with a frequency below the threshold expected for the associated phenotype(s). This variant has been observed in one or more individuals affected with the associated recessive disease, as either homozygous or compound heterozygous with a second variant (PMID: 18162705). Given the available evidence, this variant is classified as Pathogenic.

Fulgent Genetics
Classification: Pathogenic for Citrullinemia, type II, adult-onset; Neonatal intrahepatic cholestasis due to citrin deficiency. Last evaluated: 2024-05-10. Review status: criteria provided, single submitter. Criteria: ACMG Guidelines, 2015. Collection method: clinical testing. Allele origin: germline.

Baylor Genetics
Classification: Pathogenic for Citrullinemia, type II, adult-onset. Last evaluated: 2024-02-19. Review status: criteria provided, single submitter. Criteria: ACMG Guidelines, 2015. Collection method: clinical testing. Allele origin: unknown.

Labcorp Genetics (formerly Invitae), Labcorp
Classification: Pathogenic for Citrin deficiency. Last evaluated: 2023-01-05. Review status: criteria provided, single submitter. Criteria: Invitae Variant Classification Sherloc (09022015). Collection method: clinical testing. Allele origin: germline.
Comment: This sequence change creates a premature translational stop signal (p.Ser225*) in the SLC25A13 gene. It is expected to result in an absent or disrupted protein product. Loss-of-function variants in SLC25A13 are known to be pathogenic (PMID: 10369257, 14680984, 27405544). For these reasons, this variant has been classified as Pathogenic. ClinVar contains an entry for this variant (Variation ID: 6004). This premature translational stop signal has been observed in individuals with citrin deficiency (PMID: 12512993, 16449956, 29659898). This variant is present in population databases (rs80338719, gnomAD 0.006%).

Victorian Clinical Genetics Services, Murdoch Childrens Research Institute
Classification: Pathogenic for Neonatal intrahepatic cholestasis due to citrin deficiency. Last evaluated: 2022-03-31. Review status: criteria provided, single submitter. Criteria: ACMG Guidelines, 2015. Collection method: clinical testing. Allele origin: germline. Inheritance: Autosomal recessive inheritance.
Comment: Based on the classification scheme VCGS_Germline_v1.3.4, this variant is classified as pathogenic. The following criteria are met: 0102 - Loss of function is a known mechanism of disease in this gene and is associated with neonatal-onset citrullinemia type II (MIM# 605814) and adult-onset citrullinemia type II (MIM#603471). (I) 0106 - This gene is associated with autosomal recessive disease. (I) 0201 - Variant is predicted to cause nonsense-mediated decay (NMD) and loss of protein (premature termination codon is located at least 54 nucleotides upstream of the final exon-exon junction). (SP) 0251 - This variant is heterozygous. (I) 0304 - Variant is present in gnomAD (v2) <0.01 for a recessive condition (1 heterozygote, 0 homozygotes). (SP) 0801 - This variant has strong previous evidence of pathogenicity in unrelated individuals. This variant has been reported as pathogenic multiple times in ClinVar. It has also been reported in multiple individuals with citrin deficiency (PMID: 29659898; 34006251). (SP) 0701 - Other NMD predicted variants comparable to the one identified in this case have very strong previous evidence for pathogenicity (ClinVar). (SP) Legend: (SP) - Supporting pathogenic, (I) - Information, (SB) - Supporting benign

Soonchunhyang University Bucheon Hospital, Soonchunhyang University Medical Center
Classification: Pathogenic for Citrullinemia, type II, adult-onset. Last evaluated: 2016-03-18. Review status: criteria provided, single submitter. Criteria: ACMG Guidelines, 2015. Collection method: reference population. Allele origin: germline. Observed: 1 variant allele.

Baylor Genetics
Classification: Pathogenic for Neonatal intrahepatic cholestasis due to citrin deficiency. Review status: criteria provided, single submitter. Criteria: ACMG Guidelines, 2015. Collection method: clinical testing. Allele origin: germline.

OMIM
Classification: Pathogenic for CITRIN DEFICIENCY, ADULT ONSET. Last evaluated: 1999-06-01. Review status: no assertion criteria provided. Collection method: literature only. Allele origin: germline. Not counted in ClinVar's aggregate classification.

GeneReviews
No classification provided. Condition: Citrullinemia type II. Review status: no classification provided. Collection method: literature only. Allele origin: unknown. Not counted in ClinVar's aggregate classification.

Literature cited by the submitters: PubMed 18162705 (cited by Natera, Inc.); PubMed 10369257 (cited by 4 submitters); PubMed 14680984 (cited by Labcorp Genetics (formerly Invitae), Labcorp); PubMed 27405544 (cited by Labcorp Genetics (formerly Invitae), Labcorp); PubMed 12512993 (cited by Labcorp Genetics (formerly Invitae), Labcorp); PubMed 16449956 (cited by Labcorp Genetics (formerly Invitae), Labcorp); PubMed 29659898 (cited by Labcorp Genetics (formerly Invitae), Labcorp and Victorian Clinical Genetics Services, Murdoch Childrens Research Institute); PubMed 34006251 (cited by Victorian Clinical Genetics Services, Murdoch Childrens Research Institute); PubMed 20301360 (cited by GeneReviews); NCBI Bookshelf NBK1181 (cited by GeneReviews).

NM_014251.3(SLC25A13):c.674C>A (p.Ser225Ter)

Gene: SLC25A13 (solute carrier family 25 member 13; minus strand). Cytogenetic location: 7q21.3.
Variant type: single nucleotide variant.
Coding change: c.674C>A on transcript NM_014251.3 (MANE Select); coding-DNA position 674, C replaced by A.
Protein change: p.Ser225Ter; replaces serine 225 with a stop codon.
Molecular consequence: nonsense. On other transcripts: non-coding transcript variant (1).
Genome position (GRCh38, 1-based): chr7:96,191,189, G>T on the plus strand (C>A on the coding strand, the complement: SLC25A13 is on the minus strand). VCF-style: chr7-96191189-G-T. GRCh37 (hg19) VCF-style: chr7-95820501-G-T.
Other names: c.674C>A, p.Ser225Ter (NM_001160210.2); short protein forms S225*.
Identifiers: ClinVar variation 6004 (VCV000006004.22), dbSNP rs80338719, ClinGen allele CA340498.